The following is an entry in ClinVar:

ClinVar aggregate classification (germline): Likely pathogenic. Review status: reviewed by expert panel (3 of 4 stars). 2 submissions from 2 submitters: Likely pathogenic (1). 1 of the submissions does not count toward it. Last evaluated 2021-01-15.

Conditions:
Phenylketonuria (PKU). Also called: Phenylketonuria (PKU); OLIGOPHRENIA PHENYLPYRUVICA; FOLLING DISEASE; Phenylketonurias. Identifiers: Orphanet 716, MedGen C0031485, MONDO:0009861, OMIM 261600. Disease mechanism: loss of function.

Submissions (2):

ClinGen PAH Variant Curation Expert Panel
Classification: Likely pathogenic for Phenylketonuria. Last evaluated: 2021-01-15. Review status: reviewed by expert panel. Criteria: ClinGen PAH ACMG Specifications v1. Collection method: curation. Allele origin: germline. Inheritance: Autosomal recessive inheritance.
Comment: This c.461A>G (p.Tyr154Cys) variant in PAH was reported in trans with pathogenic variant c.728G>A (p. Arg243Gln) in a patient with PAH deficiency (>120 Î¼mol/L Phe) (PMID: 19915519, 23932990, 28754886). Computational evidence for this missense variant is predicted to be damaging (SIFT), probably damaging (PolyPhen2), and disease-causing (MutationTaster). This variant is absent from population databases ExAC, gnomAD, 1000 Genomes, ESP. In summary, this variant meets criteria to be classified as likely pathogenic for PAH. PAH-specific ACMG/AMP criteria applied: PP4_moderate, PM2, PM3_supporting, PP3.

Labcorp Genetics (formerly Invitae), Labcorp
Classification: Likely pathogenic for Phenylketonuria. Last evaluated: 2021-05-20. Review status: criteria provided, single submitter. Criteria: Invitae Variant Classification Sherloc (09022015). Collection method: clinical testing. Allele origin: germline. Not counted in ClinVar's aggregate classification.
Comment: In summary, the currently available evidence indicates that the variant is pathogenic, but additional data are needed to prove that conclusively. Therefore, this variant has been classified as Likely Pathogenic. This variant disrupts the p.Tyr154 amino acid residue in PAH. Other variant(s) that disrupt this residue have been determined to be pathogenic (PMID: 16256386, 32668217). This suggests that this residue is clinically significant, and that variants that disrupt this residue are likely to be disease-causing. Advanced modeling of protein sequence and biophysical properties (such as structural, functional, and spatial information, amino acid conservation, physicochemical variation, residue mobility, and thermodynamic stability) performed at Invitae indicates that this missense variant is expected to disrupt PAH protein function. This variant has been observed in individual(s) with hyperphenylalaninemia (PMID: 32668217). This variant is not present in population databases (ExAC no frequency). This sequence change replaces tyrosine with cysteine at codon 154 of the PAH protein (p.Tyr154Cys). The tyrosine residue is highly conserved and there is a large physicochemical difference between tyrosine and cysteine.

Literature cited by the submitters: PubMed 16256386 (cited by Labcorp Genetics (formerly Invitae), Labcorp); PubMed 32668217 (cited by Labcorp Genetics (formerly Invitae), Labcorp).

NM_000277.3(PAH):c.461A>G (p.Tyr154Cys)

Gene: PAH (phenylalanine hydroxylase; minus strand). Cytogenetic location: 12q23.2.
Variant type: single nucleotide variant.
Coding change: c.461A>G on transcript NM_000277.3 (MANE Select); coding-DNA position 461, A replaced by G.
Protein change: p.Tyr154Cys; replaces tyrosine 154 with cysteine.
Molecular consequence: missense variant.
Genome position (GRCh38, 1-based): chr12:102,866,644, T>C on the plus strand (A>G on the coding strand, the complement: PAH is on the minus strand). VCF-style: chr12-102866644-T-C. GRCh37 (hg19) VCF-style: chr12-103260422-T-C.
Other names: c.461A>G, p.Tyr154Cys (NM_001354304.2); short protein forms Y154C.
Identifiers: ClinVar variation 1185011 (VCV001185011.7), dbSNP rs1565853526, ClinGen allele CA16020794.